The following is an entry in ClinVar:

NM_004655.4(AXIN2):c.1192A>G (p.Ile398Val)

Gene: AXIN2 (axin 2; minus strand). Cytogenetic location: 17q24.1.
Variant type: single nucleotide variant.
Coding change: c.1192A>G on transcript NM_004655.4 (MANE Select); coding-DNA position 1192, A replaced by G.
Protein change: p.Ile398Val; replaces isoleucine 398 with valine.
Molecular consequence: missense variant.
Genome position (GRCh38, 1-based): chr17:65,538,211, T>C on the plus strand (A>G on the coding strand, the complement: AXIN2 is on the minus strand). VCF-style: chr17-65538211-T-C. GRCh37 (hg19) VCF-style: chr17-63534329-T-C.
Other names: c.1192A>G, p.Ile398Val (NM_001363813.1); short protein forms I398V.
Identifiers: ClinVar variation 2760324 (VCV002760324.3), dbSNP rs2144475667, ClinGen allele CA400678135.

ClinVar aggregate classification (germline): Uncertain significance (1 of 4 stars; one submission).

Conditions:
Oligodontia-cancer predisposition syndrome. Also called: TOOTH AGENESIS-COLORECTAL CANCER SYNDROME. Identifiers: Orphanet 300576, MedGen C1837750, MONDO:0012075, OMIM 608615. Disease mechanism: loss of function.

Submission:

Labcorp Genetics (formerly Invitae), Labcorp
Classification: Uncertain significance for Oligodontia-cancer predisposition syndrome. Last evaluated: 2025-11-04. Review status: criteria provided, single submitter. Criteria: Invitae Variant Classification Sherloc (09022015). Collection method: clinical testing. Allele origin: germline.
Comment: This sequence change replaces isoleucine, which is neutral and non-polar, with valine, which is neutral and non-polar, at codon 398 of the AXIN2 protein (p.Ile398Val). This variant is not present in population databases (gnomAD no frequency). This variant has not been reported in the literature in individuals affected with AXIN2-related conditions. ClinVar contains an entry for this variant (Variation ID: 2760324). Invitae Evidence Modeling of protein sequence and biophysical properties (such as structural, functional, and spatial information, amino acid conservation, physicochemical variation, residue mobility, and thermodynamic stability) indicates that this missense variant is not expected to disrupt AXIN2 protein function with a negative predictive value of 80%. In summary, the available evidence is currently insufficient to determine the role of this variant in disease. Therefore, it has been classified as a Variant of Uncertain Significance.